The following is an entry in ClinVar:

ClinVar aggregate classification (germline): Uncertain significance. Review status: criteria provided, multiple submitters, no conflicts (2 of 4 stars). 6 submissions from 6 submitters: Uncertain significance (6). Last evaluated 2026-02-02.

Conditions:
Chromosome 2p16.3 deletion syndrome. Identifiers: MedGen C3808494, MONDO:0013696, OMIM 614332.
Pitt-Hopkins-like syndrome 2 (PTHSL2). Identifiers: Orphanet 221150, Orphanet 600663, MedGen C3280479, MONDO:0013690, OMIM 614325.

Allele frequency attached by ClinVar (database versions not stated): gnomAD 0.00003 and 0.00004; gnomAD exomes 0.00005; ExAC 0.00006; TOPMed 0.00006; ESP Exome Variant Server 0.00015.
gnomAD v4.1: 84 of 1,613,810 alleles (0.0052%); highest among the groups gnomAD compares: Middle Eastern, 0.033%; no homozygotes.

Submissions (6):

Labcorp Genetics (formerly Invitae), Labcorp
Classification: Uncertain significance for Pitt-Hopkins-like syndrome 2. Last evaluated: 2026-02-02. Review status: criteria provided, single submitter. Criteria: Invitae Variant Classification Sherloc (09022015). Collection method: clinical testing. Allele origin: germline.
Comment: This sequence change replaces glycine, which is neutral and non-polar, with serine, which is neutral and polar, at codon 1453 of the NRXN1 protein (p.Gly1453Ser). This variant is present in population databases (rs200604893, gnomAD 0.01%). This missense change has been observed in individual(s) with clinical features of NRXN1-related conditions (PMID: 22504536, 36703223). This variant is also known as c.1132G>A (p.Gly378Ser). ClinVar contains an entry for this variant (Variation ID: 206273). Invitae Evidence Modeling of protein sequence and biophysical properties (such as structural, functional, and spatial information, amino acid conservation, physicochemical variation, residue mobility, and thermodynamic stability) indicates that this missense variant is not expected to disrupt NRXN1 protein function with a negative predictive value of 80%. In summary, the available evidence is currently insufficient to determine the role of this variant in disease. Therefore, it has been classified as a Variant of Uncertain Significance.

Blueprint Genetics
Classification: Uncertain significance. Last evaluated: 2024-11-01. Review status: criteria provided, single submitter. Criteria: ACMG Guidelines, 2015. Collection method: clinical testing. Allele origin: germline.

Dubai Health Genomic Medicine Center, Dubai Health
Classification: Uncertain significance. Last evaluated: 2022-12-17. Review status: criteria provided, single submitter. Criteria: ACMG Guidelines, 2015. Collection method: clinical testing. Allele origin: germline. Affected: yes.

Fulgent Genetics
Classification: Uncertain significance for Pitt-Hopkins-like syndrome 2; Chromosome 2p16.3 deletion syndrome. Last evaluated: 2021-11-16. Review status: criteria provided, single submitter. Criteria: ACMG Guidelines, 2015. Collection method: clinical testing. Allele origin: unknown.

Revvity Omics, Revvity
Classification: Uncertain significance for Pitt-Hopkins-like syndrome 2. Last evaluated: 2019-05-29. Review status: criteria provided, single submitter. Criteria: ACMG Guidelines, 2015. Collection method: clinical testing. Allele origin: germline.

GeneDx
Classification: Uncertain significance. Last evaluated: 2014-10-06. Review status: criteria provided, single submitter. Criteria: GeneDx Variant Classification (06012015). Collection method: clinical testing. Allele origin: germline. Affected: yes.
Comment: This variant p.Gly1453Ser alters both the alpha and beta transcripts of the NRXN1 protein. In the primary transcript (NM_001135659.1) the variant is denoted p.G1453S. Regardless of the transcript, this variant is a non-conservative amino acid substitution that alters a position that is conserved in mammals. It was not observed with any significant frequency in approximately 6,500 individuals of European and African American ancestry in the NHLBI Exome Sequencing Project, and in silico analysis is inconsistent in its predictions as to whether or not the variant is damaging to the protein structure/function. Therefore, based on the currently available information, it is unclear whether this variant is a pathogenic mutation or a rare benign variant. The variant is found in INFANT-EPI panel(s).

Literature cited by the submitters: PubMed 22504536 (cited by Labcorp Genetics (formerly Invitae), Labcorp); PubMed 36703223 (cited by Labcorp Genetics (formerly Invitae), Labcorp).

NM_001330078.2(NRXN1):c.4237G>A (p.Gly1413Ser)

Gene: NRXN1 (neurexin 1; minus strand). Cytogenetic location: 2p16.3.
Variant type: single nucleotide variant.
Coding change: c.4237G>A on transcript NM_001330078.2 (MANE Select); coding-DNA position 4237, G replaced by A.
Protein change: p.Gly1413Ser; replaces glycine 1413 with serine.
Molecular consequence: missense variant.
Genome position (GRCh38, 1-based): chr2:49,922,231, C>T on the plus strand (G>A on the coding strand, the complement: NRXN1 is on the minus strand). VCF-style: chr2-49922231-C-T. GRCh37 (hg19) VCF-style: chr2-50149369-C-T.
Other names: p.G1453S:GGC>AGC; c.4357G>A, p.Gly1453Ser (NM_001135659.3); c.142G>A, p.Gly48Ser (NM_001320156.4); c.133G>A, p.Gly45Ser (NM_001320157.4); c.4213G>A, p.Gly1405Ser (NM_001330077.2); c.4204G>A, p.Gly1402Ser (NM_001330082.2); c.4072G>A, p.Gly1358Ser (NM_001330083.2); c.4171G>A, p.Gly1391Ser (NM_001330084.2); and 14 more; short protein forms G1453S, G1366S, G1383S, G1405S, G48S, G1343S, G1346S, G1353S.
Identifiers: ClinVar variation 206273 (VCV000206273.17), dbSNP rs200604893, ClinGen allele CA316192.